The following is an entry in ClinVar:

ClinVar aggregate classification (germline): Uncertain significance. Review status: criteria provided, single submitter (1 of 4 stars). 2 submissions from 2 submitters: Uncertain significance (1). 1 of the submissions does not count toward it. Last evaluated 2023-07-10.

Conditions:
Epidermolysis bullosa dystrophica inversa, autosomal recessive. Identifiers: MedGen C2673612.

Allele frequency attached by ClinVar (database versions not stated): TOPMed 0.00001; gnomAD exomes 0.00002.

Submissions (2):

Labcorp Genetics (formerly Invitae), Labcorp
Classification: Uncertain significance. Last evaluated: 2023-07-10. Review status: criteria provided, single submitter. Criteria: Invitae Variant Classification Sherloc (09022015). Collection method: clinical testing. Allele origin: germline.
Comment: Variants that disrupt the consensus splice site are a relatively common cause of aberrant splicing (PMID: 17576681, 9536098). Algorithms developed to predict the effect of sequence changes on RNA splicing suggest that this variant may disrupt the consensus splice site. In summary, the available evidence is currently insufficient to determine the role of this variant in disease. Therefore, it has been classified as a Variant of Uncertain Significance. ClinVar contains an entry for this variant (Variation ID: 991827). This variant has not been reported in the literature in individuals affected with COL7A1-related conditions. This variant is not present in population databases (gnomAD no frequency). This sequence change falls in intron 59 of the COL7A1 gene. It does not directly change the encoded amino acid sequence of the COL7A1 protein. It affects a nucleotide within the consensus splice site.

Natera, Inc.
Classification: Uncertain significance for Autosomal recessive epidermolysis bullosa dystrophica inversa. Last evaluated: 2020-08-14. Review status: no assertion criteria provided. Collection method: clinical testing. Allele origin: germline. Not counted in ClinVar's aggregate classification.

Literature cited by the submitters: PubMed 17576681 (cited by Labcorp Genetics (formerly Invitae), Labcorp); PubMed 9536098 (cited by Labcorp Genetics (formerly Invitae), Labcorp).

NM_000094.4(COL7A1):c.5271+6T>C

Gene: COL7A1 (collagen type VII alpha 1 chain; minus strand). Cytogenetic location: 3p21.31.
Variant type: single nucleotide variant.
Coding change: c.5271+6T>C on transcript NM_000094.4 (MANE Select); 6 bases into the intron after coding-DNA position 5271, T replaced by C.
Molecular consequence: intron variant.
Genome position (GRCh38, 1-based): chr3:48,579,474, A>G on the plus strand (T>C on the coding strand, the complement: COL7A1 is on the minus strand). VCF-style: chr3-48579474-A-G. GRCh37 (hg19) VCF-style: chr3-48616907-A-G.
Identifiers: ClinVar variation 991827 (VCV000991827.8), dbSNP rs2044571216, ClinGen allele CA1047679446.